The following is an entry in ClinVar:

ClinVar aggregate classification (germline): Uncertain significance (1 of 4 stars; one submission).

Conditions:
Cryptosporidiosis-chronic cholangitis-liver disease syndrome. Also called: IL21R immunodeficiency; Immunodeficiency type 56. Identifiers: Orphanet 357329, MedGen C3554687, MONDO:0014082, OMIM 615207.

Submission:

Labcorp Genetics (formerly Invitae), Labcorp
Classification: Uncertain significance for Cryptosporidiosis-chronic cholangitis-liver disease syndrome. Last evaluated: 2026-01-24. Review status: criteria provided, single submitter. Criteria: Invitae Variant Classification Sherloc (09022015). Collection method: clinical testing. Allele origin: germline.
Comment: This sequence change falls in intron 6 of the IL21R gene. It does not directly change the encoded amino acid sequence of the IL21R protein. It affects a nucleotide within the consensus splice site. This variant is not present in population databases (gnomAD no frequency). This variant has not been reported in the literature in individuals affected with IL21R-related conditions. ClinVar contains an entry for this variant (Variation ID: 1375293). Variants that disrupt the consensus splice site are a relatively common cause of aberrant splicing (PMID: 17576681, 9536098). Algorithms developed to predict the effect of sequence changes on RNA splicing suggest that this variant is not likely to affect RNA splicing. In summary, the available evidence is currently insufficient to determine the role of this variant in disease. Therefore, it has been classified as a Variant of Uncertain Significance.

Literature cited by the submitters: PubMed 17576681; PubMed 9536098.

NM_181078.3(IL21R):c.685+4G>C

Gene: IL21R (interleukin 21 receptor; plus strand). Cytogenetic location: 16p12.1.
Variant type: single nucleotide variant.
Coding change: c.685+4G>C on transcript NM_181078.3 (MANE Select); 4 bases into the intron after coding-DNA position 685, G replaced by C.
Molecular consequence: intron variant.
Genome position (GRCh38, 1-based): chr16:27,444,723, G>C. VCF-style: chr16-27444723-G-C. GRCh37 (hg19) VCF-style: chr16-27456044-G-C.
Other names: c.751+4G>C (NM_181079.5); c.685+4G>C (NM_021798.4).
Identifiers: ClinVar variation 1375293 (VCV001375293.4), dbSNP rs2141310113, ClinGen allele CA2573152121.